The following is an entry in ClinVar:

ClinVar aggregate classification (germline): Uncertain significance (1 of 4 stars; one submission).

Conditions:
Duchenne muscular dystrophy (DMD). Also called: MUSCULAR DYSTROPHY, PSEUDOHYPERTROPHIC PROGRESSIVE, DUCHENNE TYPE; Duchenne Muscular Dystrophy (DMD). Identifiers: Orphanet 98896, MedGen C0013264, MONDO:0010679, OMIM 310200.

Submission:

Labcorp Genetics (formerly Invitae), Labcorp
Classification: Uncertain significance for Duchenne muscular dystrophy. Last evaluated: 2022-04-07. Review status: criteria provided, single submitter. Criteria: Invitae Variant Classification Sherloc (09022015). Collection method: clinical testing. Allele origin: germline.
Comment: This variant has not been reported in the literature in individuals affected with DMD-related conditions. This variant is not present in population databases (gnomAD no frequency). This variant, c.3214_3216del, results in the deletion of 1 amino acid(s) of the DMD protein (p.Lys1072del), but otherwise preserves the integrity of the reading frame. Experimental studies and prediction algorithms are not available or were not evaluated, and the functional significance of this variant is currently unknown. In summary, the available evidence is currently insufficient to determine the role of this variant in disease. Therefore, it has been classified as a Variant of Uncertain Significance.

NM_004006.3(DMD):c.3214_3216del (p.Lys1072del)

Gene: DMD (dystrophin; minus strand). Cytogenetic location: Xp21.1.
Variant type: Deletion.
Coding change: c.3214_3216del on transcript NM_004006.3 (MANE Select); coding-DNA positions 3214 to 3216, 3 bases deleted (AAG; older notation c.3214_3216delAAG).
Protein change: p.Lys1072del; deletes lysine 1072.
Molecular consequence: inframe deletion.
Genome position (GRCh38, 1-based): chrX:32,464,646-32,464,648, CTT deleted on the plus strand (AAG on the coding strand, the reverse complement: DMD is on the minus strand); deleting any 3 consecutive bases within chrX:32,464,646-32,464,649 gives the same sequence; the c. name uses the placement nearest the transcript's 3' end. VCF-style (leftmost placement, unchanged base first): chrX-32464645-CCTT-C. GRCh37 (hg19) VCF-style: chrX-32482762-CCTT-C.
Other names: c.3190_3192del, p.Lys1064del (NM_000109.4); c.3202_3204del, p.Lys1068del (NM_004009.3); c.2845_2847del, p.Lys949del (NM_004010.3); short protein forms K1068del, K949del, K1064del, K1072del.
Identifiers: ClinVar variation 2122330 (VCV002122330.4), dbSNP rs2524537693, ClinGen allele CA2580100727.